The following is an entry in ClinVar:

NM_022132.5(MCCC2):c.802A>G (p.Arg268Gly)

Gene: MCCC2 (methylcrotonyl-CoA carboxylase subunit 2; plus strand). Cytogenetic location: 5q13.2.
Variant type: single nucleotide variant.
Coding change: c.802A>G on transcript NM_022132.5 (MANE Select); coding-DNA position 802, A replaced by G.
Protein change: p.Arg268Gly; replaces arginine 268 with glycine.
Molecular consequence: missense variant.
Genome position (GRCh38, 1-based): chr5:71,632,184, A>G. VCF-style: chr5-71632184-A-G. GRCh37 (hg19) VCF-style: chr5-70928011-A-G.
Other names: c.688A>G, p.Arg230Gly (NM_001363147.1); short protein forms R230G, R268G.
Identifiers: ClinVar variation 1438292 (VCV001438292.8), dbSNP rs756477001, ClinGen allele CA3297887.
Genomic context (GRCh38, chr5:71,632,184, plus strand): 5'-AAAGCGGCAACTGGGGAAGAAGTATCTGCTGAGGATCTTGGAGGTGCTGATCTTCATTGC[A>G]GGTGAAACAGAAATGGTTGTTTCTTTCCGGGATTGAGTGTCATTTTGTTTGTTTGTTTAA-3'
Protein context (NP_071415.1, residues 258-278): EDLGGADLHC[Arg268Gly]KSGVSDHWAL

ClinVar aggregate classification (germline): Uncertain significance (1 of 4 stars; one submission).

Conditions:
3-methylcrotonyl-CoA carboxylase 2 deficiency. Also called: METHYLCROTONYLGLYCINURIA, TYPE II; 3 alpha methylcrotonyl-CoA carboxylase 2 deficiency; 3 alpha methylcrotonylglycinuria 2; MCC 2 deficiency; Methylcrotonylglycinuria type 2. Identifiers: Orphanet 6, MedGen C1859499, MONDO:0008862, OMIM 210210.

Allele frequency attached by ClinVar (database versions not stated): gnomAD exomes below 0.00001 and 0.00001; ExAC 0.00001.
gnomAD v4.1: 12 of 1,614,020 alleles (0.00074%); highest among the groups gnomAD compares: South Asian, 0.0022%; no homozygotes.

Submission:

Labcorp Genetics (formerly Invitae), Labcorp
Classification: Uncertain significance for 3-methylcrotonyl-CoA carboxylase 2 deficiency. Last evaluated: 2025-09-02. Review status: criteria provided, single submitter. Criteria: Invitae Variant Classification Sherloc (09022015). Collection method: clinical testing. Allele origin: germline.
Comment: This sequence change replaces arginine, which is basic and polar, with glycine, which is neutral and non-polar, at codon 268 of the MCCC2 protein (p.Arg268Gly). This variant is present in population databases (rs756477001, gnomAD 0.003%). This missense change has been observed in individual(s) with 3MCC deficiency (internal data). In at least one individual the data is consistent with being in trans (on the opposite chromosome) from a pathogenic variant. ClinVar contains an entry for this variant (Variation ID: 1438292). An algorithm developed to predict the effect of missense changes on protein structure and function (PolyPhen-2) suggests that this variant is likely to be tolerated. Algorithms developed to predict the effect of sequence changes on RNA splicing suggest that this variant may disrupt the consensus splice site. In summary, the available evidence is currently insufficient to determine the role of this variant in disease. Therefore, it has been classified as a Variant of Uncertain Significance.